The following is an entry in ClinVar:

ClinVar aggregate classification (germline): Uncertain significance (1 of 4 stars; one submission).

Submission:

GeneDx
Classification: Uncertain significance. Last evaluated: 2025-05-02. Review status: criteria provided, single submitter. Criteria: GeneDx Variant Classification Process June 2021. Collection method: clinical testing. Allele origin: germline. Affected: yes.
Comment: Canonical splice site variant with an unclear effect on protein function; Not observed at significant frequency in large population cohorts (gnomAD); Has not been previously published as pathogenic or benign to our knowledge

NM_001317778.2(SFTPC):c.43-2A>C

Gene: SFTPC (surfactant protein C; plus strand). Cytogenetic location: 8p21.3.
Variant type: single nucleotide variant.
Coding change: c.43-2A>C on transcript NM_001317778.2 (MANE Select); the canonical splice acceptor site of the intron before coding-DNA position 43, A replaced by C.
Molecular consequence: splice acceptor variant. On other transcripts: intron variant (2).
Genome position (GRCh38, 1-based): chr8:22,162,572, A>C. VCF-style: chr8-22162572-A-C. GRCh37 (hg19) VCF-style: chr8-22020085-A-C.
Other names: c.43-2A>C (NM_001385655.1, NM_001385654.1, NM_001385656.1 and 8 more transcripts); c.43-508A>C (NM_001385660.1, NM_001317779.2).
Identifiers: ClinVar variation 4527638 (VCV004527638.1).
Genomic context (GRCh38, chr8:22,162,572, plus strand): 5'-GGGAGAAGAGGGGACAGCCTCATGACCTCATGCCTGTCTCCTTGCCTGCCCCACCGTGTC[A>C]GGACTACTCCGCAGCTCCCCGGGGCCGATTTGGCATTCCCTGCTGCCCAGTGCACCTGAA-3'